The following is an entry in ClinVar:

ClinVar aggregate classification (germline): Conflicting classifications of pathogenicity. Review status: criteria provided, conflicting classifications (1 of 4 stars). 2 submissions from 2 submitters: Uncertain significance (1); Benign (1). Last evaluated 2023-10-13.

Conditions:
Early-infantile DEE. Also called: Early infantile epileptic encephalopathy with suppression bursts; Ohtahara syndrome; Early infantile epileptic encephalopathy. Identifiers: Orphanet 1934, MedGen C0393706, MONDO:0800491.

Allele frequency attached by ClinVar (database versions not stated): gnomAD exomes below 0.00001; TOPMed 0.00001.
gnomAD v4.1: 2 of 1,602,190 alleles (0.00012%); highest among the groups gnomAD compares: African/African-American, 0.0013%; no homozygotes.

Submissions (2):

Labcorp Genetics (formerly Invitae), Labcorp
Classification: Benign for Early-infantile DEE. Last evaluated: 2023-10-13. Review status: criteria provided, single submitter. Criteria: Invitae Variant Classification Sherloc (09022015). Collection method: clinical testing. Allele origin: germline.

GeneDx
Classification: Uncertain significance. Last evaluated: 2023-06-26. Review status: criteria provided, single submitter. Criteria: GeneDx Variant Classification Process June 2021. Collection method: clinical testing. Allele origin: germline. Affected: yes.
Comment: Missense variants in this gene are often considered pathogenic (HGMD); In silico analysis supports that this missense variant has a deleterious effect on protein structure/function; Has not been previously published as pathogenic or benign to our knowledge; This substitution is predicted to be in the cytoplasmic loop between the first and second homologous domains; This variant is associated with the following publications: (PMID: 30653559)

NM_001330260.2(SCN8A):c.1960G>A (p.Gly654Ser)

Gene: SCN8A (sodium voltage-gated channel alpha subunit 8; plus strand). Cytogenetic location: 12q13.13.
Variant type: single nucleotide variant.
Coding change: c.1960G>A on transcript NM_001330260.2 (MANE Select); coding-DNA position 1960, G replaced by A.
Protein change: p.Gly654Ser; replaces glycine 654 with serine.
Molecular consequence: missense variant.
Genome position (GRCh38, 1-based): chr12:51,721,870, G>A. VCF-style: chr12-51721870-G-A. GRCh37 (hg19) VCF-style: chr12-52115654-G-A.
Other names: c.1960G>A, p.Gly654Ser (NM_001177984.3, NM_001369788.1, NM_014191.4); short protein forms G654S.
Identifiers: ClinVar variation 450870 (VCV000450870.13), dbSNP rs905574009, ClinGen allele CA236267006.